The following is an entry in ClinVar:

NM_052947.4(ALPK2):c.203A>T (p.Tyr68Phe)

Gene: ALPK2 (alpha kinase 2; minus strand). Cytogenetic location: 18q21.32.
Variant type: single nucleotide variant.
Coding change: c.203A>T on transcript NM_052947.4 (MANE Select); coding-DNA position 203, A replaced by T.
Protein change: p.Tyr68Phe; replaces tyrosine 68 with phenylalanine.
Molecular consequence: missense variant.
Genome position (GRCh38, 1-based): chr18:58,607,346, T>A on the plus strand (A>T on the coding strand, the complement: ALPK2 is on the minus strand). VCF-style: chr18-58607346-T-A. GRCh37 (hg19) VCF-style: chr18-56274578-T-A.
Other names: short protein forms Y68F.
Identifiers: ClinVar variation 2449224 (VCV002449224.2), dbSNP rs149851208, ClinGen allele CA402555780.

ClinVar aggregate classification (germline): Uncertain significance (1 of 4 stars; one submission).

Submission:

Ambry Genetics
Classification: Uncertain significance. Last evaluated: 2022-12-12. Review status: criteria provided, single submitter. Criteria: Ambry Variant Classification Scheme 2023. Collection method: clinical testing. Allele origin: germline.
Comment: The p.Y68F variant (also known as c.203A>T), located in coding exon 2 of the ALPK2 gene, results from an A to T substitution at nucleotide position 203. The tyrosine at codon 68 is replaced by phenylalanine, an amino acid with highly similar properties. This amino acid position is conserved. In addition, this alteration is predicted to be tolerated by in silico analysis. Since supporting evidence is limited at this time, the clinical significance of this alteration remains unclear.